The following is an entry in ClinVar:

ClinVar aggregate classification (germline): Likely pathogenic. Review status: reviewed by expert panel (3 of 4 stars). 3 submissions from 3 submitters: Likely pathogenic (1). 2 of the submissions do not count toward it. Last evaluated 2023-05-27.

Conditions:
Monogenic diabetes. Identifiers: Orphanet 183625, MedGen C3888631, MONDO:0015967.
Maturity-onset diabetes of the young type 1. Also called: MODY type 1; Diabetes mellitus MODY type 1; MODY HNF4A related; HNF4A-Related Maturity-Onset Diabetes of the Young Type 1; MODY, type I; MILD JUVENILE DIABETES MELLITUS. Identifiers: Orphanet 552, MedGen C1852093, MONDO:0007452, OMIM 125850. Disease mechanism: loss of function.

Submissions (3):

ClinGen Monogenic Diabetes Variant Curation Expert Panel
Classification: Likely pathogenic for Monogenic diabetes. Last evaluated: 2023-05-27. Review status: reviewed by expert panel. Criteria: MDEP HNF4A Specificiations 1.0.0. Collection method: curation. Allele origin: germline. Inheritance: Autosomal dominant inheritance.
Comment: The c.281_282delinsC variant in the Hepatocyte Nuclear Factor 4 Alpha gene, HNF4A, causes a frameshift in the protein at codon 94 (NM_175914.5), adding 10 novel amino acids before encountering a stop codon (p.(Arg94Thrfs*10)). This variant, located in exon 3 of 10 in a biologically-relevant transcript, is predicted to lead to nonsense mediated decay in a gene in which loss-of-function is an established disease mechanism (PVS1; PMID: 23348805). Additionally, this variant is absent from gnomAD v2.1.1 (PM2_Supporting). In summary, c.281_282delinsC meets the criteria to be classified as likely pathogenic for monogenic diabetes. ACMG/AMP criteria applied, as specified by the ClinGen MDEP (specification version 1.0.0, approved 11/16/2022): PVS1, PM2_Supporting.

Athena Diagnostics
Classification: Pathogenic. Last evaluated: 2019-03-11. Review status: criteria provided, single submitter. Criteria: Athena Diagnostics Criteria. Collection method: clinical testing. Allele origin: germline. Not counted in ClinVar's aggregate classification.
Comment: The variant results in a shift of the reading frame, and is therefore predicted to result in the loss of a functional protein. Found in at least one symptomatic patient, and not found in general population data.

Women's Health and Genetics/Laboratory Corporation of America, LabCorp
Classification: Likely pathogenic for MODY1. Last evaluated: 2011-08-18. Review status: criteria provided, single submitter. Criteria: LabCorp Variant Classification Summary - May 2015. Collection method: curation, clinical testing. Allele origin: germline. Inheritance: autosomal unknown. Affected: yes. Not counted in ClinVar's aggregate classification.
ClinVar note: Converted during submission from likely pathogenic to Likely pathogenic.

NM_175914.5(HNF4A):c.281_282delinsC (p.Arg94fs)

Gene: HNF4A (hepatocyte nuclear factor 4 alpha; plus strand). Cytogenetic location: 20q13.12.
Variant type: Indel.
Coding change: c.281_282delinsC on transcript NM_175914.5 (MANE Select); coding-DNA positions 281 to 282, GG replaced by C.
Protein change: p.Arg94fs; shifts the reading frame from arginine 94.
Molecular consequence: frameshift variant.
Genome position (GRCh38, 1-based): chr20:44,407,437-44,407,438, GG replaced by C. VCF-style: chr20-44407437-GG-C. GRCh37 (hg19) VCF-style: chr20-43036077-GG-C.
Other names: NM_175914.5(HNF4A):c.281_282delinsC; p.Arg94fs; c.347_348delinsC, p.Arg116fs (NM_000457.6, NM_178849.3, NM_178850.3); c.281_282delinsC, p.Arg94fs (NM_001030003.3, NM_001030004.3); c.326_327delinsC, p.Arg109fs (NM_001258355.2); c.272_273delinsC, p.Arg91fs (NM_001287182.2, NM_001287183.2, NM_001287184.2); short protein forms R91fs, R94fs, R116fs, R109fs.
Identifiers: ClinVar variation 36348 (VCV000036348.5), dbSNP rs193922471, ClinGen allele CA213928.
Genomic context (GRCh38, chr20:44,407,437, plus strand): 5'-CCAGATTTAGCCGGCAGTGCGTGGTGGACAAAGACAAGAGGAACCAGTGCCGCTACTGCA[GG>C]CTCAAGAAATGCTTCCGGGCTGGCATGAAGAAGGAAGGTGAGCCTCGGCCCTCCCCGCCC-3'